The following is an entry in ClinVar:

ClinVar aggregate classification (germline): Uncertain significance. Review status: criteria provided, single submitter (1 of 4 stars). 2 submissions from 2 submitters: Uncertain significance (1). 1 of the submissions does not count toward it. Last evaluated 2025-08-04.

Conditions:
TARS1-related disorder. Also called: TARS1-related condition.

Allele frequency attached by ClinVar (database versions not stated): 1000 Genomes Project 0.00040; 1000 Genomes Project 30x 0.00047; TOPMed 0.00149; gnomAD 0.00180; ESP Exome Variant Server 0.00238; gnomAD exomes 0.00249; ExAC 0.00276.
gnomAD v4.1: 3,863 of 1,613,890 alleles (0.24%); highest among the groups gnomAD compares: Non-Finnish European, 0.28%; 10 homozygotes.

Submissions (2):

Ambry Genetics
Classification: Uncertain significance. Last evaluated: 2025-08-04. Review status: criteria provided, single submitter. Criteria: Ambry Variant Classification Scheme 2023. Collection method: clinical testing. Allele origin: germline.

PreventionGenetics, part of Exact Sciences
Classification: Likely benign for TARS1-related condition. Last evaluated: 2019-11-25. Review status: no assertion criteria provided. Collection method: clinical testing. Allele origin: germline. Not counted in ClinVar's aggregate classification.
Comment: This variant is classified as likely benign based on ACMG/AMP sequence variant interpretation guidelines (Richards et al. 2015 PMID: 25741868, with internal and published modifications).

NM_152295.5(TARS1):c.977T>C (p.Ile326Thr)

Gene: TARS1 (threonyl-tRNA synthetase 1; plus strand). Cytogenetic location: 5p13.3.
Variant type: single nucleotide variant.
Coding change: c.977T>C on transcript NM_152295.5 (MANE Select); coding-DNA position 977, T replaced by C.
Protein change: p.Ile326Thr; replaces isoleucine 326 with threonine.
Molecular consequence: missense variant. On other transcripts: non-coding transcript variant (3).
Genome position (GRCh38, 1-based): chr5:33,457,396, T>C. VCF-style: chr5-33457396-T-C. GRCh37 (hg19) VCF-style: chr5-33457501-T-C.
Other names: c.977T>C (NM_152295.3); c.977T>C, p.Ile326Thr (NM_001258437.1); c.1076T>C, p.Ile359Thr (NM_001258438.2); c.941T>C, p.Ile314Thr (NM_003191.1); short protein forms I314T, I326T, I359T.
Identifiers: ClinVar variation 3033579 (VCV003033579.3), dbSNP rs143542411, ClinGen allele CA3223215.